The following is an entry in ClinVar:

ClinVar aggregate classification (germline): Uncertain significance. Review status: criteria provided, multiple submitters, no conflicts (2 of 4 stars). 2 submissions from 2 submitters: Uncertain significance (2). Last evaluated 2025-07-21.

Conditions:
Hepatic veno-occlusive disease-immunodeficiency syndrome. Also called: Hepatic Veno-Occlusive Disease with Immunodeficiency. Identifiers: Orphanet 79124, MedGen C1856128, MONDO:0009338, OMIM 235550. Disease mechanism: loss of function.

Allele frequency attached by ClinVar (database versions not stated): gnomAD exomes 0.00001 and 0.00002; TOPMed 0.00001; ExAC 0.00002.
gnomAD v4.1: 9 of 1,614,112 alleles (0.00056%); highest among the groups gnomAD compares: Admixed American, 0.015%; no homozygotes.

Submissions (2):

Labcorp Genetics (formerly Invitae), Labcorp
Classification: Uncertain significance for Hepatic veno-occlusive disease-immunodeficiency syndrome. Last evaluated: 2025-07-21. Review status: criteria provided, single submitter. Criteria: Invitae Variant Classification Sherloc (09022015). Collection method: clinical testing. Allele origin: germline.
Comment: This sequence change replaces lysine, which is basic and polar, with glutamic acid, which is acidic and polar, at codon 623 of the SP110 protein (p.Lys623Glu). This variant is present in population databases (rs752004065, gnomAD 0.02%). This variant has not been reported in the literature in individuals affected with SP110-related conditions. ClinVar contains an entry for this variant (Variation ID: 895367). An algorithm developed to predict the effect of missense changes on protein structure and function (PolyPhen-2) suggests that this variant is likely to be disruptive. In summary, the available evidence is currently insufficient to determine the role of this variant in disease. Therefore, it has been classified as a Variant of Uncertain Significance.

Illumina Laboratory Services, Illumina
Classification: Uncertain significance for Hepatic veno-occlusive disease-immunodeficiency syndrome. Last evaluated: 2018-01-12. Review status: criteria provided, single submitter. Criteria: ICSL Variant Classification Criteria 13 December 2019. Collection method: clinical testing. Allele origin: germline.

NM_080424.4(SP110):c.1939A>G (p.Lys647Glu)

Gene: SP110 (SP110 nuclear body protein; minus strand). Cytogenetic location: 2q37.1.
Variant type: single nucleotide variant.
Coding change: c.1939A>G on transcript NM_080424.4 (MANE Select); coding-DNA position 1939, A replaced by G.
Protein change: p.Lys647Glu; replaces lysine 647 with glutamic acid.
Molecular consequence: missense variant. On other transcripts: intron variant (1).
Genome position (GRCh38, 1-based): chr2:230,170,710, T>C on the plus strand (A>G on the coding strand, the complement: SP110 is on the minus strand). VCF-style: chr2-230170710-T-C. GRCh37 (hg19) VCF-style: chr2-231035426-T-C.
Other names: c.2035A>G, p.Lys679Glu (NM_001378442.1); c.2017A>G, p.Lys673Glu (NM_001378443.1); c.1957A>G, p.Lys653Glu (NM_001378444.1); c.1885A>G, p.Lys629Glu (NM_001378445.1); c.1867A>G, p.Lys623Glu (NM_004509.5); c.1833+1356A>G (NM_001378446.1); short protein forms K623E, K629E, K679E, K647E, K653E, K673E.
Identifiers: ClinVar variation 895367 (VCV000895367.7), dbSNP rs752004065, ClinGen allele CA2154292.
Genomic context (GRCh38, chr2:230,170,710, plus strand): 5'-TCAGGCGCATGTCTCGCACAAACCATGCCACCGTGTACATTTCCGTAATCAGCCTTTCCT[T>C]AACCAGGTCCAACCACATTGCTTCCTGAAAGGGCTCACCGTAATCTCGAATCTTGGGGAC-3'
Protein context (NP_536349.3, residues 637-657): FQEAMWLDLV[Lys647Glu]ERLITEMYTV